The following is an entry in ClinVar:

ClinVar aggregate classification (germline): Benign/Likely benign. Review status: criteria provided, multiple submitters, no conflicts (2 of 4 stars). 2 submissions from 2 submitters: Benign (1); Likely benign (1). Last evaluated 2018-07-15.

Conditions:
Cardiomyopathy-hypotonia-lactic acidosis syndrome (MPCD). Identifiers: Orphanet 91130, MedGen C1835845, MONDO:0012557, OMIM 610773.

Allele frequency attached by ClinVar (database versions not stated): gnomAD 0.00509; 1000 Genomes Project 0.00579; TOPMed 0.00580; 1000 Genomes Project 30x 0.00562.

Submissions (2):

GeneDx
Classification: Likely benign. Last evaluated: 2018-07-15. Review status: criteria provided, single submitter. Criteria: GeneDx Variant Classification Process June 2021. Collection method: clinical testing. Allele origin: germline. Affected: yes.

Illumina Laboratory Services, Illumina
Classification: Benign for Cardiomyopathy-hypotonia-lactic acidosis syndrome. Last evaluated: 2018-01-12. Review status: criteria provided, single submitter. Criteria: ICSL Variant Classification Criteria 13 December 2019. Collection method: clinical testing. Allele origin: germline.
Comment: This variant was observed in the ICSL laboratory as part of a predisposition screen in an ostensibly healthy population. It had not been previously curated by ICSL or reported in the Human Gene Mutation Database (HGMD: prior to June 1st, 2018), and was therefore a candidate for classification through an automated scoring system. Utilizing variant allele frequency, disease prevalence and penetrance estimates, and inheritance mode, an automated score was calculated to assess if this variant is too frequent to cause the disease. Based on the score and internal cut-off values, a variant classified as benign is not then subjected to further curation. The score for this variant resulted in a classification of benign for this disease.

NM_005888.3(SLC25A3):c.-92G>A

Gene: SLC25A3 (solute carrier family 25 member 3; plus strand). Cytogenetic location: 12q23.1.
Variant type: single nucleotide variant.
Coding change: c.-92G>A on transcript NM_005888.3; 92 bases upstream of the start codon, G replaced by A.
Genome position (GRCh38, 1-based): chr12:98,593,653, G>A. VCF-style: chr12-98593653-G-A. GRCh37 (hg19) VCF-style: chr12-98987431-G-A.
Identifiers: ClinVar variation 310791 (VCV000310791.9), dbSNP rs115763433, ClinGen allele CA10633767.
Genomic context (GRCh38, chr12:98,593,653, plus strand): 5'-CAATGGGCGACGCGTACTTGCAGTGGCGCGCTGTGTGCGTCACGCCGACGACGCGCGAAG[G>A]GCACACATCTTAGGACCCGGAGGACGTCCGGCCTCTGTGAGCCGCAACCTTTCCAAGGGA-3'